The following is an entry in ClinVar:

ClinVar aggregate classification (germline): Uncertain significance (1 of 4 stars; one submission).

Conditions:
Hereditary cancer-predisposing syndrome. Also called: Neoplastic Syndromes, Hereditary; Tumor predisposition; Hereditary neoplastic syndrome; Hereditary Cancer Syndrome. Identifiers: Orphanet 140162, MedGen C0027672, MeSH D009386, MONDO:0015356.

gnomAD v4.1: 1 of 1,614,148 alleles (0.000062%); no homozygotes.

Submission:

Ambry Genetics
Classification: Uncertain significance for Hereditary cancer-predisposing syndrome. Last evaluated: 2023-10-13. Review status: criteria provided, single submitter. Criteria: Ambry Variant Classification Scheme 2023. Collection method: clinical testing. Allele origin: germline.
Comment: The p.R169K variant (also known as c.506G>A), located in coding exon 1 of the GREM1 gene, results from a G to A substitution at nucleotide position 506. The arginine at codon 169 is replaced by lysine, an amino acid with highly similar properties. This amino acid position is conserved. In addition, the in silico prediction for this alteration is inconclusive. Since supporting evidence is limited at this time, the clinical significance of this alteration remains unclear.

NM_013372.7(GREM1):c.506G>A (p.Arg169Lys)

Gene: GREM1 (gremlin 1, DAN family BMP antagonist; plus strand). Cytogenetic location: 15q13.3.
Variant type: single nucleotide variant.
Coding change: c.506G>A on transcript NM_013372.7 (MANE Select); coding-DNA position 506, G replaced by A.
Protein change: p.Arg169Lys; replaces arginine 169 with lysine.
Molecular consequence: missense variant.
Genome position (GRCh38, 1-based): chr15:32,731,196, G>A. VCF-style: chr15-32731196-G-A. GRCh37 (hg19) VCF-style: chr15-33023397-G-A.
Other names: c.296G>A, p.Arg99Lys (NM_001191322.2); c.383G>A, p.Arg128Lys (NM_001191323.2); c.506G>A, p.Arg169Lys (NM_001368719.1); short protein forms R128K, R169K, R99K.
Identifiers: ClinVar variation 3226272 (VCV003226272.1), dbSNP rs1458654619, ClinGen allele CA391558108.
Genomic context (GRCh38, chr15:32,731,196, plus strand): 5'-TCACTACCATGATGGTCACACTCAACTGCCCTGAACTACAGCCACCTACCAAGAAGAAGA[G>A]AGTCACACGTGTGAAGCAGTGTCGTTGCATATCCATCGATTTGGATTAAGCCAAATCCAG-3'
Protein context (NP_037504.1, residues 159-179): PELQPPTKKK[Arg169Lys]VTRVKQCRCI